The following is an entry in ClinVar:

ClinVar aggregate classification (germline): Likely benign (1 of 4 stars; one submission).

gnomAD v4.1: 35 of 1,613,992 alleles (0.0022%); highest among the groups gnomAD compares: Non-Finnish European, 0.0029%; no homozygotes.

Submission:

CeGaT Center for Human Genetics Tuebingen
Classification: Likely benign. Last evaluated: 2026-02-01. Review status: criteria provided, single submitter. Criteria: CeGaT Center For Human Genetics Tuebingen Variant Classification Criteria Version 2. Collection method: clinical testing. Allele origin: germline. Affected: yes. Observed: 1 variant allele.
Comment: SPEN: BP4

NM_015001.3(SPEN):c.6980G>C (p.Arg2327Pro)

Gene: SPEN (spen family transcriptional repressor; plus strand). Cytogenetic location: 1p36.13.
Variant type: single nucleotide variant.
Coding change: c.6980G>C on transcript NM_015001.3 (MANE Select); coding-DNA position 6980, G replaced by C.
Protein change: p.Arg2327Pro; replaces arginine 2327 with proline.
Molecular consequence: missense variant.
Genome position (GRCh38, 1-based): chr1:15,933,220, G>C. VCF-style: chr1-15933220-G-C. GRCh37 (hg19) VCF-style: chr1-16259715-G-C.
Other names: short protein forms R2327P.
Identifiers: ClinVar variation 4823886 (VCV004823886.4).